The following is an entry in ClinVar:

NM_145046.5(CALR3):c.314G>C (p.Cys105Ser)

Gene: CALR3 (calreticulin 3; minus strand). Cytogenetic location: 19p13.11.
Variant type: single nucleotide variant.
Coding change: c.314G>C on transcript NM_145046.5 (MANE Select); coding-DNA position 314, G replaced by C.
Protein change: p.Cys105Ser; replaces cysteine 105 with serine.
Molecular consequence: missense variant.
Genome position (GRCh38, 1-based): chr19:16,490,450, C>G on the plus strand (G>C on the coding strand, the complement: CALR3 is on the minus strand). VCF-style: chr19-16490450-C-G. GRCh37 (hg19) VCF-style: chr19-16601261-C-G.
Other names: short protein forms C105S.
Identifiers: ClinVar variation 2910029 (VCV002910029.3), dbSNP rs747738664, ClinGen allele CA404613448.
Genomic context (GRCh38, chr19:16,490,450, plus strand): 5'-TTTCCATTCAGGTTCTTCTGGTCAATGTCTGCAGGAAAGACCTTAATGTAGCCCCCTCCA[C>G]AGTCCATCTTCTGCTCATGTTTTACTGTGTACTGAATAACCAGAGTTTTCCCTTTATTGC-3'
Protein context (NP_659483.2, residues 95-115): YTVKHEQKMD[Cys105Ser]GGGYIKVFPA

ClinVar aggregate classification (germline): Uncertain significance (1 of 4 stars; one submission).

Conditions:
Hypertrophic cardiomyopathy 19. Also called: Familial hypertrophic cardiomyopathy 19. Identifiers: MedGen CN077603, MONDO:0013476.

Allele frequency attached by ClinVar (database versions not stated): TOPMed below 0.00001; gnomAD 0.00001.
gnomAD v4.1: 22 of 1,614,088 alleles (0.0014%); highest among the groups gnomAD compares: Non-Finnish European, 0.0017%; no homozygotes.

Submission:

Labcorp Genetics (formerly Invitae), Labcorp
Classification: Uncertain significance for Hypertrophic cardiomyopathy 19. Last evaluated: 2024-09-27. Review status: criteria provided, single submitter. Criteria: Invitae Variant Classification Sherloc (09022015). Collection method: clinical testing. Allele origin: germline.
Comment: This sequence change replaces cysteine, which is neutral and slightly polar, with serine, which is neutral and polar, at codon 105 of the CALR3 protein (p.Cys105Ser). This variant is present in population databases (no rsID available, gnomAD 0.007%). This variant has not been reported in the literature in individuals affected with CALR3-related conditions. Invitae Evidence Modeling of protein sequence and biophysical properties (such as structural, functional, and spatial information, amino acid conservation, physicochemical variation, residue mobility, and thermodynamic stability) indicates that this missense variant is expected to disrupt CALR3 protein function with a positive predictive value of 80%. In summary, the available evidence is currently insufficient to determine the role of this variant in disease. Therefore, it has been classified as a Variant of Uncertain Significance.